The following is an entry in ClinVar:

ClinVar aggregate classification (germline): Likely benign (1 of 4 stars; one submission).

Conditions:
Malignant hyperthermia, susceptibility to, 5 (MHS5). Also called: CACNA1S-Related Malignant Hyperthermia Susceptibility. Identifiers: Orphanet 423, MedGen C1866077, MONDO:0011163, OMIM 601887.

Allele frequency attached by ClinVar (database versions not stated): gnomAD exomes below 0.00001.
gnomAD v4.1: 2 of 1,614,210 alleles (0.00012%); highest among the groups gnomAD compares: East Asian, 0.0022%; no homozygotes.

Submission:

All of Us Research Program, National Institutes of Health
Classification: Likely benign for Malignant hyperthermia, susceptibility to, 5. Last evaluated: 2023-07-10. Review status: criteria provided, single submitter. Criteria: ACMG Guidelines, 2015. Collection method: clinical testing. Allele origin: germline. Inheritance: Autosomal dominant inheritance. Observed: 1 variant allele, 1 heterozygote.
Comment: This study involves interpretation of variants in research participants for the purpose of population health screening. Participant phenotype was not available at the time of variant classification. Additional details can be found in publication PMID: 35346344, PMCID: PMC8962531

NM_000069.3(CACNA1S):c.3990G>A (p.Leu1330=)

Gene: CACNA1S (calcium voltage-gated channel subunit alpha1 S; minus strand). Cytogenetic location: 1q32.1.
Variant type: single nucleotide variant.
Coding change: c.3990G>A on transcript NM_000069.3 (MANE Select); coding-DNA position 3990, G replaced by A.
Protein change: p.Leu1330=; no amino-acid change (leucine 1330 retained).
Molecular consequence: synonymous variant.
Genome position (GRCh38, 1-based): chr1:201,051,107, C>T on the plus strand (G>A on the coding strand, the complement: CACNA1S is on the minus strand). VCF-style: chr1-201051107-C-T. GRCh37 (hg19) VCF-style: chr1-201020235-C-T.
Identifiers: ClinVar variation 3072415 (VCV003072415.1), dbSNP rs185718607, ClinGen allele CA422719305.
Genomic context (GRCh38, chr1:201,051,107, plus strand): 5'-GTACTCCTCCCCTGGGGCATAGTCCGACTCTGGGTCACACAGCTTCCCATAGCTGCAGGC[C>T]AGTAGGATCTCCTGCCAGGCCTCACCTGTTGCACACCTAGAGGACAGAAGAGGCTCCTGT-3'
Protein context (NP_000060.2, residues 1320-1340): ATGEAWQEIL[Leu1330=]ACSYGKLCDP